The following is an entry in ClinVar:

NM_005228.5(EGFR):c.1028G>A (p.Gly343Asp)

Genes: EGFR (epidermal growth factor receptor; plus strand), LOC126860048 (P300/CBP strongly-dependent group 1 enhancer GRCh37_chr7:55223847-55225046; plus strand). Cytogenetic location: 7p11.2.
Variant type: single nucleotide variant.
Coding change: c.1028G>A on transcript NM_005228.5 (MANE Select); coding-DNA position 1028, G replaced by A.
Protein change: p.Gly343Asp; replaces glycine 343 with aspartic acid.
Molecular consequence: missense variant.
Genome position (GRCh38, 1-based): chr7:55,156,554, G>A. VCF-style: chr7-55156554-G-A. GRCh37 (hg19) VCF-style: chr7-55224247-G-A.
Other names: c.893G>A, p.Gly298Asp (NM_001346897.2, NM_001346899.2); c.1028G>A, p.Gly343Asp (NM_001346898.2, NM_201282.2, NM_201283.2 and 1 more transcripts); c.869G>A, p.Gly290Asp (NM_001346900.2); c.227G>A, p.Gly76Asp (NM_001346941.2); short protein forms G343D, G298D, G76D, G290D.
Identifiers: ClinVar variation 1438557 (VCV001438557.8), dbSNP rs771398183, ClinGen allele CA367578230.

ClinVar aggregate classification (germline): Uncertain significance (1 of 4 stars; one submission).

Conditions:
EGFR-related lung cancer (EGFR). Identifiers: MedGen CN130014.

gnomAD v4.1: 1 of 1,614,212 alleles (0.000062%); highest among the groups gnomAD compares: South Asian, 0.0011%; no homozygotes.

Submission:

Labcorp Genetics (formerly Invitae), Labcorp
Classification: Uncertain significance for EGFR-related lung cancer. Last evaluated: 2021-05-09. Review status: criteria provided, single submitter. Criteria: Invitae Variant Classification Sherloc (09022015). Collection method: clinical testing. Allele origin: germline.
Comment: This variant is not present in population databases (ExAC no frequency). This sequence change replaces glycine with aspartic acid at codon 343 of the EGFR protein (p.Gly343Asp). The glycine residue is highly conserved and there is a moderate physicochemical difference between glycine and aspartic acid. This variant has not been reported in the literature in individuals with EGFR-related conditions. In summary, the available evidence is currently insufficient to determine the role of this variant in disease. Therefore, it has been classified as a Variant of Uncertain Significance. Algorithms developed to predict the effect of missense changes on protein structure and function are either unavailable or do not agree on the potential impact of this missense change (SIFT: "Deleterious"; PolyPhen-2: "Probably Damaging"; Align-GVGD: "Class C0").